The following is an entry in ClinVar:

NM_000539.3(RHO):c.173C>G (p.Thr58Arg)

Gene: RHO (rhodopsin; plus strand). Cytogenetic location: 3q22.1.
Variant type: single nucleotide variant.
Coding change: c.173C>G on transcript NM_000539.3 (MANE Select); coding-DNA position 173, C replaced by G.
Protein change: p.Thr58Arg; replaces threonine 58 with arginine.
Molecular consequence: missense variant.
Genome position (GRCh38, 1-based): chr3:129,528,906, C>G. VCF-style: chr3-129528906-C-G. GRCh37 (hg19) VCF-style: chr3-129247749-C-G.
Other names: short protein forms T58R.
Identifiers: ClinVar variation 13016 (VCV000013016.25), dbSNP rs28933394, ClinGen allele CA256664.

ClinVar aggregate classification (germline): Pathogenic/Likely pathogenic. Review status: criteria provided, multiple submitters, no conflicts (2 of 4 stars). 11 submissions from 11 submitters: Pathogenic (5); Likely pathogenic (4). 2 of the submissions do not count toward it. Last evaluated 2026-10-01.

Conditions:
RHO-related disorder. Also called: RHO-related condition.
Retinal dystrophy. Also called: Inherited retinal dystrophy. Identifiers: Orphanet 71862, MedGen C0854723, MeSH D058499, MONDO:0019118, HP:0000556.
Retinitis pigmentosa 4 (RP4). Also called: RETINITIS PIGMENTOSA, RHODOPSIN-RELATED. Identifiers: Orphanet 791, MedGen C3151001, MONDO:0013395, OMIM 613731.
Retinal disorder. Also called: Retinal disorders; Retinopathy; Retinopathies; Retinal Diseases. Identifiers: MedGen C0035309, MONDO:0005283, HP:0000488.

gnomAD v4.1: 1 of 1,614,254 alleles (0.000062%); highest among the groups gnomAD compares: Non-Finnish European, 0.000085%; no homozygotes.

Submissions (11):

GeneDx
Classification: Likely pathogenic. Last evaluated: 2026-10-01. Review status: criteria provided, single submitter. Criteria: GeneDx Variant Classification Process June 2021. Collection method: clinical testing. Allele origin: germline.
Comment: In silico analysis supports that this missense variant has a deleterious effect on protein structure/function; Not observed at significant frequency in large population cohorts (gnomAD); This variant is associated with the following publications: (PMID: 2333895, 15823756, 21094163, 8486634, 1924344, 2215617, 30977563, 32483926, 25408095, 32882181, 32795431, 31717845, 29847639, 33777460, 31908405, 1929926, 32037395, 18385078, 1882937, 8328469, 38284172, 28981474, 36648560, 38219857, 39047130, 37446072, 41328990, 40736177, 40762536)

Genetics Laboratory, Great Ormond Street Hospital NHS Foundation Trust, North Thames Genomic Laboratory Hub
Classification: Pathogenic for Retinal disorders. Last evaluated: 2026-09-10. Review status: criteria provided, single submitter. Criteria: ACGS Best Practice Guidelines for Variant Classification in Rare Disease 2024 v1.2. Collection method: clinical testing. Allele origin: germline. Affected: yes.
Comment: PS4_moderate, PM2_moderate, PP3_supporting, PS3_supporting, PP1_strong

Labcorp Genetics (formerly Invitae), Labcorp
Classification: Pathogenic. Last evaluated: 2025-10-28. Review status: criteria provided, single submitter. Criteria: Invitae Variant Classification Sherloc (09022015). Collection method: clinical testing. Allele origin: germline.
Comment: This sequence change replaces threonine, which is neutral and polar, with arginine, which is basic and polar, at codon 58 of the RHO protein (p.Thr58Arg). This variant is not present in population databases (gnomAD no frequency). This missense change has been observed in individuals with autosomal dominant retinitis pigmentosa (PMID: 2215617, 29847639). It has also been observed to segregate with disease in related individuals. ClinVar contains an entry for this variant (Variation ID: 13016). Invitae Evidence Modeling of protein sequence and biophysical properties (such as structural, functional, and spatial information, amino acid conservation, physicochemical variation, residue mobility, and thermodynamic stability) indicates that this missense variant is expected to disrupt RHO protein function with a positive predictive value of 95%. Experimental studies have shown that this missense change affects RHO function (PMID: 1924344). Algorithms developed to predict the effect of sequence changes on RNA splicing suggest that this variant may create or strengthen a splice site. For these reasons, this variant has been classified as Pathogenic.

Dept Of Ophthalmology, Nagoya University
Classification: Likely pathogenic for Retinal dystrophy. Last evaluated: 2023-10-01. Review status: criteria provided, single submitter. Criteria: Submitter's publication. Collection method: research. Allele origin: germline. Affected: yes.

Blueprint Genetics
Classification: Pathogenic for RHO-related disorders. Last evaluated: 2022-09-07. Review status: criteria provided, single submitter. Criteria: ACMG Guidelines, 2015. Collection method: clinical testing. Allele origin: germline. Affected: yes. Observed: 5 variant alleles.

MGZ Medical Genetics Center
Classification: Likely pathogenic for Retinitis pigmentosa 4. Last evaluated: 2022-02-04. Review status: criteria provided, single submitter. Criteria: ACMG Guidelines, 2015. Collection method: clinical testing. Allele origin: germline. Affected: yes. Observed: 1 variant allele.
Comment: ACMG criteria applied: PS4_MOD, PS3_SUP, PM2_SUP, PP1, PP3

Centre for Genomic Medicine, Manchester, Central Manchester University Hospitals
Classification: Likely pathogenic for Retinitis pigmentosa 4. Last evaluated: 2020-09-01. Review status: criteria provided, single submitter. Criteria: ACMG Guidelines, 2015. Collection method: clinical testing. Allele origin: germline. Affected: yes. Observed: 5 heterozygotes.

Mendelics
Classification: Pathogenic for Retinitis pigmentosa 4. Last evaluated: 2019-05-28. Review status: criteria provided, single submitter. Criteria: Mendelics Assertion Criteria 2017. Collection method: clinical testing. Allele origin: unknown.

Institute of Human Genetics, Univ. Regensburg, Univ. Regensburg
Classification: Pathogenic for Retinal dystrophy. Last evaluated: 2010-01-01. Review status: criteria provided, single submitter. Criteria: ACMG Guidelines, 2015. Collection method: clinical testing. Allele origin: germline. Affected: yes.

PreventionGenetics, part of Exact Sciences
Classification: Pathogenic for RHO-related condition. Last evaluated: 2024-08-05. Review status: no assertion criteria provided. Collection method: clinical testing. Allele origin: germline. Not counted in ClinVar's aggregate classification.
Comment: The RHO c.173C>G variant is predicted to result in the amino acid substitution p.Thr58Arg. This variant was reported in the heterozygous state in individuals with autosomal dominant retinitis pigmentosa (see, for example, Dryja et al. 1990. PubMed ID: 2215617; Jacobson et al. 1991. PubMed ID: 1882937; supplementary data, Comander et al. 2017. PubMed ID: 28981474; Martin-Merida et al. 2018. PubMed ID: 29847639; Georgiou et al. 2020. PubMed ID: 32795431). This variant has not been reported in a large population database, indicating this variant is rare. This variant is interpreted as pathogenic.

OMIM
Classification: Pathogenic for RETINITIS PIGMENTOSA 4. Last evaluated: 1991-10-01. Review status: no assertion criteria provided. Collection method: literature only. Allele origin: germline. Not counted in ClinVar's aggregate classification.

Literature cited by the submitters: PubMed 2215617 (cited by 3 submitters); PubMed 29847639 (cited by Labcorp Genetics (formerly Invitae), Labcorp and Institute of Human Genetics, Univ. Regensburg, Univ. Regensburg); PubMed 1924344 (cited by Labcorp Genetics (formerly Invitae), Labcorp); PubMed 1882937 (cited by Institute of Human Genetics, Univ. Regensburg, Univ. Regensburg and OMIM); PubMed 18385078 (cited by Institute of Human Genetics, Univ. Regensburg, Univ. Regensburg); PubMed 21094163 (cited by Institute of Human Genetics, Univ. Regensburg, Univ. Regensburg); PubMed 28981474 (cited by Institute of Human Genetics, Univ. Regensburg, Univ. Regensburg); PubMed 31717845 (cited by Institute of Human Genetics, Univ. Regensburg, Univ. Regensburg); PubMed 30977563 (cited by Institute of Human Genetics, Univ. Regensburg, Univ. Regensburg); PubMed 32483926 (cited by Institute of Human Genetics, Univ. Regensburg, Univ. Regensburg); PubMed 32037395 (cited by Institute of Human Genetics, Univ. Regensburg, Univ. Regensburg); PubMed 32795431 (cited by Institute of Human Genetics, Univ. Regensburg, Univ. Regensburg); PubMed 1929926 (cited by OMIM); PubMed 1985460 (cited by OMIM); PubMed 2333895 (cited by OMIM).